The following is an entry in ClinVar:

ClinVar aggregate classification (germline): Likely benign (1 of 4 stars; one submission).

gnomAD v4.1: 69 of 1,605,988 alleles (0.0043%); highest among the groups gnomAD compares: Non-Finnish European, 0.0057%; no homozygotes.

Submission:

CeGaT Center for Human Genetics Tuebingen
Classification: Likely benign. Last evaluated: 2025-09-01. Review status: criteria provided, single submitter. Criteria: CeGaT Center For Human Genetics Tuebingen Variant Classification Criteria Version 2. Collection method: clinical testing. Allele origin: germline. Affected: yes. Observed: 1 variant allele.
Comment: ANGPTL7: BP4, BP7

NM_021146.4(ANGPTL7):c.15T>C (p.Pro5=)

Genes: ANGPTL7 (angiopoietin like 7; plus strand), MTOR (mechanistic target of rapamycin kinase; minus strand). Cytogenetic location: 1p36.22.
Variant type: single nucleotide variant.
Coding change: c.15T>C on transcript NM_021146.4 (MANE Select); coding-DNA position 15, T replaced by C.
Protein change: p.Pro5=; no amino-acid change (proline 5 retained).
Molecular consequence: synonymous variant. On other transcripts: intron variant (3).
Genome position (GRCh38, 1-based): chr1:11,189,594, T>C. VCF-style: chr1-11189594-T-C. GRCh37 (hg19) VCF-style: chr1-11249651-T-C.
Other names: c.3005+9664A>G (NM_001386501.1); c.4253+9664A>G (NM_004958.4, NM_001386500.1).
Identifiers: ClinVar variation 4281100 (VCV004281100.7).